The following is an entry in ClinVar:

ClinVar aggregate classification (germline): Uncertain significance (1 of 4 stars; one submission).

Allele frequency attached by ClinVar (database versions not stated): TOPMed below 0.00001.
gnomAD v4.1: 1 of 1,476,910 alleles (0.000068%); highest among the groups gnomAD compares: Non-Finnish European, 0.000089%; no homozygotes.

Submission:

Labcorp Genetics (formerly Invitae), Labcorp
Classification: Uncertain significance. Last evaluated: 2021-04-12. Review status: criteria provided, single submitter. Criteria: Invitae Variant Classification Sherloc (09022015). Collection method: clinical testing. Allele origin: germline.
Comment: This variant has not been reported in the literature in individuals with HMX1-related conditions. In summary, the available evidence is currently insufficient to determine the role of this variant in disease. Therefore, it has been classified as a Variant of Uncertain Significance. Algorithms developed to predict the effect of sequence changes on RNA splicing suggest that this variant may create or strengthen a splice site, but this prediction has not been confirmed by published transcriptional studies. Algorithms developed to predict the effect of missense changes on protein structure and function are either unavailable or do not agree on the potential impact of this missense change (SIFT: "Tolerated"; PolyPhen-2: "Not Available"; Align-GVGD: "Class C0"). The frequency data for this variant in the population databases is considered unreliable, as metrics indicate insufficient coverage at this position in the ExAC database. This sequence change replaces glycine with valine at codon 111 of the HMX1 protein (p.Gly111Val). The glycine residue is moderately conserved and there is a moderate physicochemical difference between glycine and valine.

NM_018942.3(HMX1):c.332G>T (p.Gly111Val)

Gene: HMX1 (H6 family homeobox 1; minus strand). Cytogenetic location: 4p16.1.
Variant type: single nucleotide variant.
Coding change: c.332G>T on transcript NM_018942.3 (MANE Select); coding-DNA position 332, G replaced by T.
Protein change: p.Gly111Val; replaces glycine 111 with valine.
Molecular consequence: missense variant.
Genome position (GRCh38, 1-based): chr4:8,871,283, C>A on the plus strand (G>T on the coding strand, the complement: HMX1 is on the minus strand). VCF-style: chr4-8871283-C-A. GRCh37 (hg19) VCF-style: chr4-8873009-C-A.
Other names: c.332G>T, p.Gly111Val (NM_001306142.2); short protein forms G111V.
Identifiers: ClinVar variation 1471803 (VCV001471803.8), dbSNP rs1212914321, ClinGen allele CA356278849.